The following is an entry in ClinVar:

ClinVar aggregate classification (germline): Uncertain significance (1 of 4 stars; one submission).

Conditions:
Hereditary cancer-predisposing syndrome. Also called: Neoplastic Syndromes, Hereditary; Tumor predisposition; Hereditary neoplastic syndrome; Hereditary Cancer Syndrome. Identifiers: Orphanet 140162, MedGen C0027672, MeSH D009386, MONDO:0015356.

Submission:

Ambry Genetics
Classification: Uncertain significance for Hereditary cancer-predisposing syndrome. Last evaluated: 2023-10-15. Review status: criteria provided, single submitter. Criteria: Ambry Variant Classification Scheme 2023. Collection method: clinical testing. Allele origin: germline.
Comment: The p.Y928C variant (also known as c.2783A>G), located in coding exon 16 of the RET gene, results from an A to G substitution at nucleotide position 2783. The tyrosine at codon 928 is replaced by cysteine, an amino acid with highly dissimilar properties. This amino acid position is conserved. In addition, this alteration is predicted to be deleterious by in silico analysis. Since supporting evidence is limited at this time, the clinical significance of this alteration remains unclear.

NM_020975.6(RET):c.2783A>G (p.Tyr928Cys)

Gene: RET (ret proto-oncogene; plus strand). Cytogenetic location: 10q11.21.
Variant type: single nucleotide variant.
Coding change: c.2783A>G on transcript NM_020975.6 (MANE Select); coding-DNA position 2783, A replaced by G.
Protein change: p.Tyr928Cys; replaces tyrosine 928 with cysteine.
Molecular consequence: missense variant.
Genome position (GRCh38, 1-based): chr10:43,121,998, A>G. VCF-style: chr10-43121998-A-G. GRCh37 (hg19) VCF-style: chr10-43617446-A-G.
Other names: c.2783A>G, p.Tyr928Cys (NM_000323.2, NM_001406743.1, NM_001406744.1 and 4 more transcripts); c.2021A>G, p.Tyr674Cys (NM_001355216.2); c.2654A>G, p.Tyr885Cys (NM_001406761.1, NM_001406762.1, NM_001406764.1); c.2648A>G, p.Tyr883Cys (NM_001406763.1, NM_001406765.1); c.2495A>G, p.Tyr832Cys (NM_001406766.1, NM_001406767.1, NM_001406770.1); c.2519A>G, p.Tyr840Cys (NM_001406768.1); c.2387A>G, p.Tyr796Cys (NM_001406769.1, NM_001406772.1); c.2345A>G, p.Tyr782Cys (NM_001406771.1, NM_001406773.1); and 10 more; short protein forms Y445C, Y493C, Y533C, Y584C, Y586C, Y589C, Y598C, Y629C.
Identifiers: ClinVar variation 3227541 (VCV003227541.1), dbSNP rs2132986317, ClinGen allele CA376557615.